The following is an entry in ClinVar:

ClinVar aggregate classification (germline): Uncertain significance (1 of 4 stars; one submission).

Conditions:
Hereditary cancer-predisposing syndrome. Also called: Neoplastic Syndromes, Hereditary; Tumor predisposition; Hereditary Cancer Syndrome; Hereditary neoplastic syndrome. Identifiers: Orphanet 140162, MedGen C0027672, MeSH D009386, MONDO:0015356.

Submission:

Ambry Genetics
Classification: Uncertain significance for Hereditary cancer-predisposing syndrome. Last evaluated: 2025-12-01. Review status: criteria provided, single submitter. Criteria: Ambry Variant Classification Scheme 2023. Collection method: clinical testing. Allele origin: germline.
Comment: The c.1603-3C>T intronic variant results from a C to T substitution 3 nucleotides upstream from coding exon 12 in the PTCH1 gene. This nucleotide position is well conserved in available vertebrate species. In silico splice site analysis predicts that this alteration will not have any significant effect on splicing. Based on the available evidence, the clinical significance of this variant remains unclear.

NM_000264.5(PTCH1):c.1603-3C>T

Gene: PTCH1 (patched 1; minus strand). Cytogenetic location: 9q22.32.
Variant type: single nucleotide variant.
Coding change: c.1603-3C>T on transcript NM_000264.5 (MANE Select); 3 bases into the intron before coding-DNA position 1603, C replaced by T.
Molecular consequence: intron variant.
Genome position (GRCh38, 1-based): chr9:95,476,162, G>A on the plus strand (C>T on the coding strand, the complement: PTCH1 is on the minus strand). VCF-style: chr9-95476162-G-A. GRCh37 (hg19) VCF-style: chr9-98238444-G-A.
Other names: c.1600-3C>T (NM_001083603.3); c.1405-3C>T (NM_001083602.3); c.1447-3C>T (NM_001354918.2); c.1150-3C>T (NM_001083605.3, NM_001083604.3, NM_001083606.3 and 1 more transcripts).
Identifiers: ClinVar variation 4676003 (VCV004676003.1).
Genomic context (GRCh38, chr9:95,476,162, plus strand): 5'-TGATGGACGTGAGGGCCACGCTGGCTCCTGTGCGCTTCAGGCACTCCCCGGTCCTGTCCT[G>A]GGAATAAAAAAACACAGCGCTGAGAGCTGCACTGGACATGGTCCCCTTGGAGCACAGACT-3'